The following is an entry in ClinVar:

NM_001267550.2(TTN):c.24973A>G (p.Lys8325Glu)

Gene: TTN (titin; minus strand). Cytogenetic location: 2q31.2.
Variant type: single nucleotide variant.
Coding change: c.24973A>G on transcript NM_001267550.2 (MANE Select); coding-DNA position 24973, A replaced by G.
Protein change: p.Lys8325Glu; replaces lysine 8325 with glutamic acid.
Molecular consequence: missense variant. On other transcripts: intron variant (3).
Genome position (GRCh38, 1-based): chr2:178,718,033, T>C on the plus strand (A>G on the coding strand, the complement: TTN is on the minus strand). VCF-style: chr2-178718033-T-C. GRCh37 (hg19) VCF-style: chr2-179582760-T-C.
Other names: p.K7081E:AAA>GAA; p.Lys8008Glu; c.24022A>G, p.Lys8008Glu (NM_001256850.1); c.21241A>G, p.Lys7081Glu (NM_133378.4); c.13282+20049A>G (NM_003319.4); c.13858+20049A>G (NM_133437.4); c.13657+20049A>G (NM_133432.3); short protein forms K8325E, K7081E, K8008E.
Identifiers: ClinVar variation 46745 (VCV000046745.84), dbSNP rs72648984, ClinGen allele CA139097.
Genomic context (GRCh38, chr2:178,718,033, plus strand): 5'-CTGCCCCCACACTGTTGTCTGCCTTGCATGAATACTCTCCCACATCACTGTGATCCACTT[T>C]GTTGATTACTAAGGAAGCAACGTTATTTTTGAATTGCATTTTATATGCAGGAGCTGATCG-3'
Protein context (NP_001254479.2, residues 8315-8335): KNNVASLVIN[Lys8325Glu]VDHSDVGEYS

ClinVar aggregate classification (germline): Benign/Likely benign. Review status: criteria provided, multiple submitters, no conflicts (2 of 4 stars). 28 submissions from 21 submitters: Benign (16); Likely benign (7). 5 of the submissions do not count toward it. Last evaluated 2026-06-01.

Conditions:
Cardiovascular phenotype. Identifiers: MedGen CN230736.
Dilated cardiomyopathy 1G (CMD1G). Identifiers: Orphanet 154, MedGen C1858763, MONDO:0011400, OMIM 604145.
Autosomal recessive limb-girdle muscular dystrophy type 2J (LGMDR10). Also called: Limb-girdle muscular dystrophy, type 2J; MUSCULAR DYSTROPHY, LIMB-GIRDLE, AUTOSOMAL RECESSIVE 10. Identifiers: Orphanet 140922, MedGen C1837342, MONDO:0012127, OMIM 608807.
Cardiomyopathy (CMYO). Also called: Cardiomyopathies. Identifiers: Orphanet 167848, MedGen C0878544, MONDO:0004994, HP:0001638. Inheritance: Various modes of inheritance.
Early-onset myopathy with fatal cardiomyopathy (CMYO5). Also called: Salih Myopathy; CONGENITAL MYOPATHY 5 WITH CARDIOMYOPATHY. Identifiers: Orphanet 289377, MedGen C2673677, MONDO:0012714, OMIM 611705. Disease mechanism: loss of function.
Myopathy, myofibrillar, 9, with early respiratory failure (MFM9). Also called: Hereditary myopathy with early respiratory failure; Myopathy, distal, with early respiratory failure, autosomal dominant; EDSTROM MYOPATHY; MYOPATHY, PROXIMAL, WITH EARLY RESPIRATORY MUSCLE INVOLVEMENT. Identifiers: Orphanet 178464, Orphanet 34521, MedGen C1863599, MONDO:0011362, OMIM 603689.
Tibial muscular dystrophy (TMD). Also called: Udd Distal Myopathy – Tibial Muscular Dystrophy; Tibial muscular dystrophy, tardive; UDD MYOPATHY. Identifiers: Orphanet 609, MedGen C1838244, MONDO:0010870, OMIM 600334.

Allele frequency attached by ClinVar (database versions not stated): 1000 Genomes Project 30x 0.00125; 1000 Genomes Project 0.00160; TOPMed 0.00343; gnomAD 0.00473 and 0.00493; gnomAD exomes 0.00555 and 0.00589; ESP Exome Variant Server 0.00571; ExAC 0.00614.
gnomAD v4.1: 9,187 of 1,613,834 alleles (0.57%); highest among the groups gnomAD compares: Non-Finnish European, 0.67%; 48 homozygotes.

Submissions (28):

CeGaT Center for Human Genetics Tuebingen
Classification: Likely benign. Last evaluated: 2026-06-01. Review status: criteria provided, single submitter. Criteria: CeGaT Center For Human Genetics Tuebingen Variant Classification Criteria Version 2. Collection method: clinical testing. Allele origin: germline. Affected: yes. Observed: 29 variant alleles.
Comment: TTN: BS2

Labcorp Genetics (formerly Invitae), Labcorp
Classification: Benign for Dilated cardiomyopathy 1G; Autosomal recessive limb-girdle muscular dystrophy type 2J. Last evaluated: 2026-02-04. Review status: criteria provided, single submitter. Criteria: Invitae Variant Classification Sherloc (09022015). Collection method: clinical testing. Allele origin: germline.

ARUP Laboratories, Molecular Genetics and Genomics, ARUP Laboratories
Classification: Benign. Last evaluated: 2025-05-29. Review status: criteria provided, single submitter. Criteria: ARUP Molecular Germline Variant Investigation Process 2024. Collection method: clinical testing. Allele origin: germline.

Blueprint Genetics
Classification: Likely benign. Last evaluated: 2024-11-26. Review status: criteria provided, single submitter. Criteria: ACMG Guidelines, 2015. Collection method: clinical testing. Allele origin: germline.

Mayo Clinic Laboratories, Mayo Clinic
Classification: Benign. Last evaluated: 2024-01-10. Review status: criteria provided, single submitter. Criteria: ACMG Guidelines, 2015. Collection method: clinical testing. Allele origin: germline. Observed: 27 variant alleles.
Comment: BS1, BS2

Ambry Genetics
Classification: Benign for Cardiovascular phenotype. Last evaluated: 2021-10-19. Review status: criteria provided, single submitter. Criteria: Ambry Variant Classification Scheme 2023. Collection method: clinical testing. Allele origin: germline.

Genome-Nilou Lab
Classification: Benign for Autosomal recessive limb-girdle muscular dystrophy type 2J. Last evaluated: 2021-09-10. Review status: criteria provided, single submitter. Criteria: ACMG Guidelines, 2015. Collection method: clinical testing. Allele origin: germline. Affected: no.

Genome-Nilou Lab
Classification: Benign for Myopathy, myofibrillar, 9, with early respiratory failure. Last evaluated: 2021-09-10. Review status: criteria provided, single submitter. Criteria: ACMG Guidelines, 2015. Collection method: clinical testing. Allele origin: germline. Affected: no.

Genome-Nilou Lab
Classification: Benign for Early-onset myopathy with fatal cardiomyopathy. Last evaluated: 2021-09-10. Review status: criteria provided, single submitter. Criteria: ACMG Guidelines, 2015. Collection method: clinical testing. Allele origin: germline. Affected: no.

Genome-Nilou Lab
Classification: Benign for Tibial muscular dystrophy. Last evaluated: 2021-09-10. Review status: criteria provided, single submitter. Criteria: ACMG Guidelines, 2015. Collection method: clinical testing. Allele origin: germline. Affected: no.

Women's Health and Genetics/Laboratory Corporation of America, LabCorp
Classification: Likely benign. Last evaluated: 2021-05-29. Review status: criteria provided, single submitter. Criteria: LabCorp Variant Classification Summary - May 2015. Collection method: clinical testing. Allele origin: germline.

Athena Diagnostics
Classification: Benign. Last evaluated: 2019-11-05. Review status: criteria provided, single submitter. Criteria: Athena Diagnostics Criteria. Collection method: clinical testing. Allele origin: unknown.

Center for Advanced Laboratory Medicine, UC San Diego Health, University of California San Diego
Classification: Benign for Cardiomyopathy. Last evaluated: 2019-02-26. Review status: criteria provided, single submitter. Criteria: ACMG Guidelines, 2015. Collection method: clinical testing. Allele origin: germline. Affected: yes. Observed: 1 variant allele.

Illumina Laboratory Services, Illumina
Classification: Likely benign for Early-onset myopathy with fatal cardiomyopathy. Last evaluated: 2017-04-27. Review status: criteria provided, single submitter. Criteria: ICSL Variant Classification Criteria 13 December 2019. Collection method: clinical testing. Allele origin: germline.
Comment: This variant was observed as part of a predisposition screen in an ostensibly healthy population. A literature search was performed for the gene, cDNA change, and amino acid change (where applicable). No publications were found based on this search. Allele frequency data from public databases allowed determination this variant is unlikely to cause disease. Therefore, this variant is classified as likely benign.

Illumina Laboratory Services, Illumina
Classification: Likely benign for Autosomal recessive limb-girdle muscular dystrophy type 2J. Last evaluated: 2017-04-27. Review status: criteria provided, single submitter. Criteria: ICSL Variant Classification Criteria 13 December 2019. Collection method: clinical testing. Allele origin: germline.
Comment: the same text as in the submission from Illumina Laboratory Services, Illumina above.

Illumina Laboratory Services, Illumina
Classification: Benign for Tibial muscular dystrophy. Last evaluated: 2017-04-27. Review status: criteria provided, single submitter. Criteria: ICSL Variant Classification Criteria 13 December 2019. Collection method: clinical testing. Allele origin: germline.
Comment: This variant was observed as part of a predisposition screen in an ostensibly healthy population. A literature search was performed for the gene, cDNA change, and amino acid change (where applicable). No publications were found based on this search. Allele frequency data from public databases was too high to be consistent with this variant causing disease. Therefore, this variant is classified as benign.

Illumina Laboratory Services, Illumina
Classification: Benign for Myopathy, myofibrillar, 9, with early respiratory failure. Last evaluated: 2017-04-27. Review status: criteria provided, single submitter. Criteria: ICSL Variant Classification Criteria 13 December 2019. Collection method: clinical testing. Allele origin: germline.
Comment: the same text as in the submission from Illumina Laboratory Services, Illumina above.

Illumina Laboratory Services, Illumina
Classification: Likely benign for Dilated cardiomyopathy 1G. Last evaluated: 2017-04-27. Review status: criteria provided, single submitter. Criteria: ICSL Variant Classification Criteria 13 December 2019. Collection method: clinical testing. Allele origin: germline.
Comment: the same text as in the submission from Illumina Laboratory Services, Illumina above.

GeneDx
Classification: Benign. Last evaluated: 2016-11-07. Review status: criteria provided, single submitter. Criteria: GeneDx Variant Classification (06012015). Collection method: clinical testing. Allele origin: germline. Affected: yes.
Comment: This variant is considered likely benign or benign based on one or more of the following criteria: it is a conservative change, it occurs at a poorly conserved position in the protein, it is predicted to be benign by multiple in silico algorithms, and/or has population frequency not consistent with disease.

Eurofins Ntd Llc (ga)
Classification: Benign. Last evaluated: 2015-08-19. Review status: criteria provided, single submitter. Criteria: EGL Classification Definitions 2015. Collection method: clinical testing. Allele origin: germline. Observed: 1 variant allele, 1 heterozygote.

Laboratory for Molecular Medicine, Mass General Brigham Personalized Medicine
Classification: Benign. Last evaluated: 2015-04-23. Review status: criteria provided, single submitter. Criteria: LMM Criteria. Collection method: clinical testing. Allele origin: germline. Observed: 22 variant alleles.
Comment: p.Lys7081Glu in exon 83 of TTN: This variant is not expected to have clinical si gnificance because it has been identified in 1.5% (99/6614) of Finnish chromosom es and 0.9% (623/66712) of European chromosomes by the Exome Aggregation Consort ium (ExAC; dbSNP rs72648984).

Biesecker Lab/Clinical Genomics Section, National Institutes of Health
Classification: Benign. Last evaluated: 2013-06-24. Review status: criteria provided, single submitter. Criteria: Ng et al. (Circ Cardiovasc Genet. 2013). Collection method: research. Allele origin: unknown. Observed: 8 variant alleles. Study: ClinSeq.
Comment: The study set was not selected for affection status in relation to any cancer. Pathogenicity categories were based on literature curation. See Pubmed ID:23861362 for details.

Medical sequencing

Breakthrough Genomics
Classification: Likely benign. Review status: criteria provided, single submitter. Criteria: ACMG Guidelines, 2015. Collection method: not provided. Allele origin: germline. Inheritance: Autosomal recessive inheritance. Affected: yes.

Clinical Genetics DNA and cytogenetics Diagnostics Lab, Erasmus MC, Erasmus Medical Center
Classification: Benign. Review status: no assertion criteria provided. Collection method: clinical testing. Allele origin: germline. Affected: yes. Study: VKGL Data-share Consensus. Not counted in ClinVar's aggregate classification.

Clinical Genetics, Academic Medical Center
Classification: Benign. Review status: no assertion criteria provided. Collection method: clinical testing. Allele origin: germline. Affected: yes. Study: VKGL Data-share Consensus. Not counted in ClinVar's aggregate classification.

Diagnostic Laboratory, Department of Genetics, University Medical Center Groningen
Classification: Likely benign. Review status: no assertion criteria provided. Collection method: clinical testing. Allele origin: germline. Affected: yes. Study: VKGL Data-share Consensus. Not counted in ClinVar's aggregate classification.

Joint Genome Diagnostic Labs from Nijmegen and Maastricht, Radboudumc and MUMC+
Classification: Benign. Review status: no assertion criteria provided. Collection method: clinical testing. Allele origin: germline. Affected: yes. Study: VKGL Data-share Consensus. Not counted in ClinVar's aggregate classification.

Laboratory of Diagnostic Genome Analysis, Leiden University Medical Center (LUMC)
Classification: Likely benign. Review status: no assertion criteria provided. Collection method: clinical testing. Allele origin: germline. Affected: yes. Study: VKGL Data-share Consensus. Not counted in ClinVar's aggregate classification.